The following is an entry in ClinVar:

ClinVar aggregate classification (germline): Uncertain significance (1 of 4 stars; one submission).

Conditions:
Inborn genetic diseases. Identifiers: MedGen C0950123, MeSH D030342.

Submission:

Ambry Genetics
Classification: Uncertain significance for Inborn genetic diseases. Last evaluated: 2023-07-29. Review status: criteria provided, single submitter. Criteria: Ambry Variant Classification Scheme 2023. Collection method: clinical testing. Allele origin: germline.
Comment: The p.M770K variant (also known as c.2309T>A), located in coding exon 15 of the EPAS1 gene, results from a T to A substitution at nucleotide position 2309. The methionine at codon 770 is replaced by lysine, an amino acid with similar properties. This amino acid position is conserved. In addition, this alteration is predicted to be tolerated by in silico analysis. Since supporting evidence is limited at this time, the clinical significance of this alteration remains unclear.

NM_001430.5(EPAS1):c.2309T>A (p.Met770Lys)

Gene: EPAS1 (endothelial PAS domain protein 1; plus strand). Cytogenetic location: 2p21.
Variant type: single nucleotide variant.
Coding change: c.2309T>A on transcript NM_001430.5 (MANE Select); coding-DNA position 2309, T replaced by A.
Protein change: p.Met770Lys; replaces methionine 770 with lysine.
Molecular consequence: missense variant.
Genome position (GRCh38, 1-based): chr2:46,382,446, T>A. VCF-style: chr2-46382446-T-A. GRCh37 (hg19) VCF-style: chr2-46609585-T-A.
Other names: short protein forms M770K.
Identifiers: ClinVar variation 2626655 (VCV002626655.2), dbSNP rs1161977628, ClinGen allele CA346705993.